The following is an entry in ClinVar:

ClinVar aggregate classification (germline): Benign/Likely benign. Review status: criteria provided, multiple submitters, no conflicts (2 of 4 stars). 5 submissions from 5 submitters: Benign (1); Likely benign (4). Last evaluated 2025-08-17.

Conditions:
HSPB1-related disorder. Also called: HSPB1-related disorders; HSPB1-related condition.
Inborn genetic diseases. Identifiers: MedGen C0950123, MeSH D030342.
Charcot-Marie-Tooth disease axonal type 2F (CMT2F). Also called: CHARCOT-MARIE-TOOTH DISEASE, NEURONAL, TYPE 2F; Charcot-Marie-Tooth Neuropathy Type 2F. Identifiers: Orphanet 99940, MedGen C1847823, MONDO:0011687, OMIM 606595.

Allele frequency attached by ClinVar (database versions not stated): gnomAD exomes 0.00005 and 0.00008; ExAC 0.00013; 1000 Genomes Project 0.00040; 1000 Genomes Project 30x 0.00047; gnomAD 0.00050 and 0.00056; ESP Exome Variant Server 0.00051; TOPMed 0.00054.

Submissions (5):

Labcorp Genetics (formerly Invitae), Labcorp
Classification: Likely benign for Charcot-Marie-Tooth disease axonal type 2F. Last evaluated: 2025-08-17. Review status: criteria provided, single submitter. Criteria: Invitae Variant Classification Sherloc (09022015). Collection method: clinical testing. Allele origin: germline.

PreventionGenetics, part of Exact Sciences
Classification: Likely benign for HSPB1-related condition. Last evaluated: 2025-03-22. Review status: criteria provided, single submitter. Criteria: ACMG Guidelines, 2015. Collection method: clinical testing. Allele origin: germline.
Comment: This variant is classified as likely benign based on ACMG/AMP sequence variant interpretation guidelines (Richards et al. 2015 PMID: 25741868, with internal and published modifications).

Ambry Genetics
Classification: Likely benign for Inborn genetic diseases. Last evaluated: 2019-07-11. Review status: criteria provided, single submitter. Criteria: Ambry Variant Classification Scheme 2023. Collection method: clinical testing. Allele origin: germline.

Athena Diagnostics
Classification: Benign. Last evaluated: 2018-06-11. Review status: criteria provided, single submitter. Criteria: Athena Diagnostics Criteria. Collection method: clinical testing. Allele origin: germline.

GeneDx
Classification: Likely benign. Last evaluated: 2016-08-11. Review status: criteria provided, single submitter. Criteria: GeneDx Variant Classification (06012015). Collection method: clinical testing. Allele origin: germline. Affected: yes.
Comment: This variant is considered likely benign or benign based on one or more of the following criteria: it is a conservative change, it occurs at a poorly conserved position in the protein, it is predicted to be benign by multiple in silico algorithms, and/or has population frequency not consistent with disease.

NM_001540.5(HSPB1):c.240A>G (p.Gln80=)

Gene: HSPB1 (heat shock protein family B (small) member 1; plus strand). Cytogenetic location: 7q11.23.
Variant type: single nucleotide variant.
Coding change: c.240A>G on transcript NM_001540.5 (MANE Select); coding-DNA position 240, A replaced by G.
Protein change: p.Gln80=; no amino-acid change (glutamine 80 retained).
Molecular consequence: synonymous variant.
Genome position (GRCh38, 1-based): chr7:76,302,952, A>G. VCF-style: chr7-76302952-A-G. GRCh37 (hg19) VCF-style: chr7-75932269-A-G.
Other names: c.240A>G (LRG_248t1).
Identifiers: ClinVar variation 388521 (VCV000388521.16), dbSNP rs377246178, ClinGen allele CA4306294.